The following is an entry in ClinVar:

ClinVar aggregate classification (germline): Uncertain significance. Review status: criteria provided, multiple submitters, no conflicts (2 of 4 stars). 2 submissions from 2 submitters: Uncertain significance (2). Last evaluated 2026-01-16.

Conditions:
Inborn genetic diseases. Identifiers: MedGen C0950123, MeSH D030342.

Allele frequency attached by ClinVar (database versions not stated): gnomAD exomes 0.00001; ExAC 0.00004; gnomAD 0.00006; TOPMed 0.00009; ESP Exome Variant Server 0.00015; 1000 Genomes Project 30x 0.00016; 1000 Genomes Project 0.00020.
gnomAD v4.1: 20 of 1,614,078 alleles (0.0012%); highest among the groups gnomAD compares: African/African-American, 0.017%; no homozygotes.

Submissions (2):

Labcorp Genetics (formerly Invitae), Labcorp
Classification: Uncertain significance. Last evaluated: 2026-01-16. Review status: criteria provided, single submitter. Criteria: Invitae Variant Classification Sherloc (09022015). Collection method: clinical testing. Allele origin: germline.
Comment: This sequence change replaces threonine, which is neutral and polar, with alanine, which is neutral and non-polar, at codon 518 of the CDH2 protein (p.Thr518Ala). This variant is present in population databases (rs149079132, gnomAD 0.04%). This variant has not been reported in the literature in individuals affected with CDH2-related conditions. ClinVar contains an entry for this variant (Variation ID: 1775078). An algorithm developed to predict the effect of missense changes on protein structure and function outputs the following: PolyPhen-2: "Benign". The alanine amino acid residue is found in multiple mammalian species, which suggests that this missense change does not adversely affect protein function. In summary, the available evidence is currently insufficient to determine the role of this variant in disease. Therefore, it has been classified as a Variant of Uncertain Significance.

Ambry Genetics
Classification: Uncertain significance for Inborn genetic diseases. Last evaluated: 2024-12-28. Review status: criteria provided, single submitter. Criteria: Ambry Variant Classification Scheme 2023. Collection method: clinical testing. Allele origin: germline.

NM_001792.5(CDH2):c.1552A>G (p.Thr518Ala)

Gene: CDH2 (cadherin 2; minus strand). Cytogenetic location: 18q12.1.
Variant type: single nucleotide variant.
Coding change: c.1552A>G on transcript NM_001792.5 (MANE Select); coding-DNA position 1552, A replaced by G.
Protein change: p.Thr518Ala; replaces threonine 518 with alanine.
Molecular consequence: missense variant.
Genome position (GRCh38, 1-based): chr18:27,990,143, T>C on the plus strand (A>G on the coding strand, the complement: CDH2 is on the minus strand). VCF-style: chr18-27990143-T-C. GRCh37 (hg19) VCF-style: chr18-25570107-T-C.
Other names: c.1459A>G, p.Thr487Ala (NM_001308176.2); short protein forms T518A, T487A.
Identifiers: ClinVar variation 1775078 (VCV001775078.8), dbSNP rs149079132, ClinGen allele CA8923367.